The following is an entry in ClinVar:

NM_133379.5(TTN):c.10917C>T (p.Gly3639=)

Gene: TTN (titin; minus strand). Cytogenetic location: 2q31.2.
Variant type: single nucleotide variant.
Coding change: c.10917C>T on transcript NM_133379.5; coding-DNA position 10917, C replaced by T.
Protein change: p.Gly3639=; no amino-acid change (glycine 3639 retained).
Molecular consequence: synonymous variant. On other transcripts: intron variant (6).
Genome position (GRCh38, 1-based): chr2:178,751,483, G>A on the plus strand (C>T on the coding strand, the complement: TTN is on the minus strand). VCF-style: chr2-178751483-G-A. GRCh37 (hg19) VCF-style: chr2-179616210-G-A.
Other names: p.G3639G:GGC>GGT; c.10360+1641C>T (NM_001256850.1, NM_133378.4); c.10222+1641C>T (NM_003319.4); c.10798+1641C>T (NM_133437.4); c.10597+1641C>T (NM_133432.3); c.11311+1641C>T (NM_001267550.2); c.10917C>T (NM_133379.4).
Identifiers: ClinVar variation 47730 (VCV000047730.66), dbSNP rs140804168, ClinGen allele CA284425.

ClinVar aggregate classification (germline): Benign/Likely benign. Review status: criteria provided, multiple submitters, no conflicts (2 of 4 stars). 15 submissions from 15 submitters: Benign (3); Likely benign (5). 7 of the submissions do not count toward it. Last evaluated 2026-09-01.

Conditions:
TTN-related disorder. Also called: TTN-related disorders; TTN-related condition; TTN-related disease.
Early-onset myopathy with fatal cardiomyopathy (CMYO5). Also called: CONGENITAL MYOPATHY 5 WITH CARDIOMYOPATHY; Salih Myopathy. Identifiers: Orphanet 289377, MedGen C2673677, MONDO:0012714, OMIM 611705. Disease mechanism: loss of function.
Autosomal recessive limb-girdle muscular dystrophy type 2J (LGMDR10). Also called: MUSCULAR DYSTROPHY, LIMB-GIRDLE, AUTOSOMAL RECESSIVE 10; Limb-girdle muscular dystrophy, type 2J. Identifiers: Orphanet 140922, MedGen C1837342, MONDO:0012127, OMIM 608807.
Hypertrophic cardiomyopathy 9. Also called: Familial hypertrophic cardiomyopathy 9. Identifiers: MedGen C1861065, MONDO:0013412, OMIM 613765.
Myopathy, myofibrillar, 9, with early respiratory failure (MFM9). Also called: Myopathy, distal, with early respiratory failure, autosomal dominant; Hereditary myopathy with early respiratory failure; EDSTROM MYOPATHY; MYOPATHY, PROXIMAL, WITH EARLY RESPIRATORY MUSCLE INVOLVEMENT. Identifiers: Orphanet 178464, Orphanet 34521, MedGen C1863599, MONDO:0011362, OMIM 603689.
Tibial muscular dystrophy (TMD). Also called: Tibial muscular dystrophy, tardive; Udd Distal Myopathy – Tibial Muscular Dystrophy; UDD MYOPATHY. Identifiers: Orphanet 609, MedGen C1838244, MONDO:0010870, OMIM 600334.
Dilated cardiomyopathy 1G (CMD1G). Identifiers: Orphanet 154, MedGen C1858763, MONDO:0011400, OMIM 604145.

Allele frequency attached by ClinVar (database versions not stated): ESP Exome Variant Server 0.00131; TOPMed 0.00238; ExAC 0.00095; 1000 Genomes Project 0.00100; gnomAD exomes 0.00127; 1000 Genomes Project 30x 0.00125; gnomAD 0.00199 and 0.00188.
gnomAD v4.1: 2,410 of 1,613,234 alleles (0.15%); highest among the groups gnomAD compares: Admixed American, 0.49%; 2 homozygotes.

Submissions (15):

CeGaT Center for Human Genetics Tuebingen
Classification: Likely benign. Last evaluated: 2026-09-01. Review status: criteria provided, single submitter. Criteria: CeGaT Center For Human Genetics Tuebingen Variant Classification Criteria Version 2. Collection method: clinical testing. Allele origin: germline. Affected: yes. Observed: 14 variant alleles.
Comment: TTN: BP4, BP7

Molecular Diagnostic Laboratory for Inherited Cardiovascular Disease, Montreal Heart Institute
Classification: Likely benign. Last evaluated: 2025-04-09. Review status: criteria provided, single submitter. Criteria: ACMG Guidelines, 2015. Collection method: clinical testing. Allele origin: germline. Affected: no.

Blueprint Genetics
Classification: Likely benign. Last evaluated: 2024-11-13. Review status: criteria provided, single submitter. Criteria: ACMG Guidelines, 2015. Collection method: clinical testing. Allele origin: germline.

ARUP Laboratories, Molecular Genetics and Genomics, ARUP Laboratories
Classification: Benign. Last evaluated: 2024-04-23. Review status: criteria provided, single submitter. Criteria: ARUP Molecular Germline Variant Investigation Process 2024. Collection method: clinical testing. Allele origin: germline.

Fulgent Genetics
Classification: Likely benign for Tibial muscular dystrophy; Myopathy, myofibrillar, 9, with early respiratory failure; Dilated cardiomyopathy 1G; Autosomal recessive limb-girdle muscular dystrophy type 2J; Early-onset myopathy with fatal cardiomyopathy; Hypertrophic cardiomyopathy 9. Last evaluated: 2021-08-26. Review status: criteria provided, single submitter. Criteria: ACMG Guidelines, 2015. Collection method: clinical testing. Allele origin: unknown.

Eurofins Ntd Llc (ga)
Classification: Benign. Last evaluated: 2016-10-19. Review status: criteria provided, single submitter. Criteria: EGL Classification Definitions 2015. Collection method: clinical testing. Allele origin: germline. Observed: 2 variant alleles, 2 heterozygotes.

Laboratory for Molecular Medicine, Mass General Brigham Personalized Medicine
Classification: Likely benign. Last evaluated: 2015-03-11. Review status: criteria provided, single submitter. Criteria: LMM Criteria. Collection method: clinical testing. Allele origin: germline. Observed: 7 variant alleles.
Comment: p.Gly3639Gly in exon 45A of TTN: This variant is not expected to have clinical s ignificance because it does not alter an amino acid residue and is not located w ithin the splice consensus sequence. It has been identified in 0.3% (29/11492) o f Latino chromosomes by the Exome Aggregation Consortium (ExAC; dbSNP rs140804168).

GeneDx
Classification: Benign. Last evaluated: 2014-04-27. Review status: criteria provided, single submitter. Criteria: GeneDx Variant Classification (06012015). Collection method: clinical testing. Allele origin: germline. Affected: yes.
Comment: This variant is considered likely benign or benign based on one or more of the following criteria: it is a conservative change, it occurs at a poorly conserved position in the protein, it is predicted to be benign by multiple in silico algorithms, and/or has population frequency not consistent with disease.

PreventionGenetics, part of Exact Sciences
Classification: Likely benign for TTN-related condition. Last evaluated: 2019-04-26. Review status: no assertion criteria provided. Collection method: clinical testing. Allele origin: germline. Not counted in ClinVar's aggregate classification.
Comment: This variant is classified as likely benign based on ACMG/AMP sequence variant interpretation guidelines (Richards et al. 2015 PMID: 25741868, with internal and published modifications).

Clinical Genetics DNA and cytogenetics Diagnostics Lab, Erasmus MC, Erasmus Medical Center
Classification: Likely benign. Review status: no assertion criteria provided. Collection method: clinical testing. Allele origin: germline. Affected: yes. Study: VKGL Data-share Consensus. Not counted in ClinVar's aggregate classification.

Clinical Genetics, Academic Medical Center
Classification: Benign. Review status: no assertion criteria provided. Collection method: clinical testing. Allele origin: germline. Affected: yes. Study: VKGL Data-share Consensus. Not counted in ClinVar's aggregate classification.

Diagnostic Laboratory, Department of Genetics, University Medical Center Groningen
Classification: Likely benign. Review status: no assertion criteria provided. Collection method: clinical testing. Allele origin: germline. Affected: yes. Study: VKGL Data-share Consensus. Not counted in ClinVar's aggregate classification.

Genome Diagnostics Laboratory, University Medical Center Utrecht
Classification: Likely benign. Review status: no assertion criteria provided. Collection method: clinical testing. Allele origin: germline. Affected: yes. Study: VKGL Data-share Consensus. Not counted in ClinVar's aggregate classification.

Joint Genome Diagnostic Labs from Nijmegen and Maastricht, Radboudumc and MUMC+
Classification: Likely benign. Review status: no assertion criteria provided. Collection method: clinical testing. Allele origin: germline. Affected: yes. Study: VKGL Data-share Consensus. Not counted in ClinVar's aggregate classification.

Laboratory of Diagnostic Genome Analysis, Leiden University Medical Center (LUMC)
Classification: Likely benign. Review status: no assertion criteria provided. Collection method: clinical testing. Allele origin: germline. Affected: yes. Study: VKGL Data-share Consensus. Not counted in ClinVar's aggregate classification.